The following is an entry in ClinVar:

NM_000435.3(NOTCH3):c.2467C>A (p.His823Asn)

Gene: NOTCH3 (notch receptor 3; minus strand). Cytogenetic location: 19p13.12.
Variant type: single nucleotide variant.
Coding change: c.2467C>A on transcript NM_000435.3 (MANE Select); coding-DNA position 2467, C replaced by A.
Protein change: p.His823Asn; replaces histidine 823 with asparagine.
Molecular consequence: missense variant.
Genome position (GRCh38, 1-based): chr19:15,184,394, G>T on the plus strand (C>A on the coding strand, the complement: NOTCH3 is on the minus strand). VCF-style: chr19-15184394-G-T. GRCh37 (hg19) VCF-style: chr19-15295205-G-T.
Other names: short protein forms H823N.
Identifiers: ClinVar variation 2166774 (VCV002166774.4), dbSNP rs2145427762, ClinGen allele CA404519747.

ClinVar aggregate classification (germline): Uncertain significance (1 of 4 stars; one submission).

Submission:

Labcorp Genetics (formerly Invitae), Labcorp
Classification: Uncertain significance. Last evaluated: 2023-06-29. Review status: criteria provided, single submitter. Criteria: Invitae Variant Classification Sherloc (09022015). Collection method: clinical testing. Allele origin: germline.
Comment: This sequence change replaces histidine, which is basic and polar, with asparagine, which is neutral and polar, at codon 823 of the NOTCH3 protein (p.His823Asn). This variant is not present in population databases (gnomAD no frequency). This variant has not been reported in the literature in individuals affected with NOTCH3-related conditions. ClinVar contains an entry for this variant (Variation ID: 2166774). Advanced modeling of protein sequence and biophysical properties (such as structural, functional, and spatial information, amino acid conservation, physicochemical variation, residue mobility, and thermodynamic stability) performed at Invitae indicates that this missense variant is not expected to disrupt NOTCH3 protein function. In summary, the available evidence is currently insufficient to determine the role of this variant in disease. Therefore, it has been classified as a Variant of Uncertain Significance.